The following is an entry in ClinVar:

ClinVar aggregate classification (germline): Uncertain significance (1 of 4 stars; one submission).

Conditions:
Bardet-Biedl syndrome (BBS). Identifiers: Orphanet 110, MedGen C0752166, MONDO:0015229.

gnomAD v4.1: 1 of 1,603,316 alleles (0.000062%); highest among the groups gnomAD compares: Non-Finnish European, 0.000085%; no homozygotes.

Submission:

Labcorp Genetics (formerly Invitae), Labcorp
Classification: Uncertain significance for Bardet-Biedl syndrome. Last evaluated: 2022-04-03. Review status: criteria provided, single submitter. Criteria: Invitae Variant Classification Sherloc (09022015). Collection method: clinical testing. Allele origin: germline.
Comment: In summary, the available evidence is currently insufficient to determine the role of this variant in disease. Therefore, it has been classified as a Variant of Uncertain Significance. Algorithms developed to predict the effect of missense changes on protein structure and function are either unavailable or do not agree on the potential impact of this missense change (SIFT: "Tolerated"; PolyPhen-2: "Probably Damaging"; Align-GVGD: "Class C0"). This variant has not been reported in the literature in individuals affected with BBS1-related conditions. This variant is not present in population databases (gnomAD no frequency). This sequence change replaces alanine, which is neutral and non-polar, with serine, which is neutral and polar, at codon 593 of the BBS1 protein (p.Ala593Ser).

NM_024649.5(BBS1):c.1777G>T (p.Ala593Ser)

Genes: BBS1 (Bardet-Biedl syndrome 1; plus strand), ZDHHC24 (zDHHC palmitoyltransferase 24; minus strand). Cytogenetic location: 11q13.2.
Variant type: single nucleotide variant.
Coding change: c.1777G>T on transcript NM_024649.5 (MANE Select); coding-DNA position 1777, G replaced by T.
Protein change: p.Ala593Ser; replaces alanine 593 with serine.
Molecular consequence: missense variant. On other transcripts: intron variant (1).
Genome position (GRCh38, 1-based): chr11:66,532,032, G>T. VCF-style: chr11-66532032-G-T. GRCh37 (hg19) VCF-style: chr11-66299503-G-T.
Other names: c.560-2544C>A (NM_001348571.2); short protein forms A593S.
Identifiers: ClinVar variation 2120976 (VCV002120976.4), dbSNP rs760237505, ClinGen allele CA381426756.